The following is an entry in ClinVar:

NM_007254.4(PNKP):c.1299-9_1299-8delinsTT

Gene: PNKP (polynucleotide kinase 3'-phosphatase; minus strand). Cytogenetic location: 19q13.33.
Variant type: Indel.
Coding change: c.1299-9_1299-8delinsTT on transcript NM_007254.4 (MANE Select); 9 bases into the intron before coding-DNA position 1299 through 8 bases into the intron before coding-DNA position 1299, CC replaced by TT.
Molecular consequence: intron variant.
Genome position (GRCh38, 1-based): chr19:49,861,703-49,861,704, GG replaced by AA on the plus strand (CC replaced by TT on the coding strand, the reverse complement: PNKP is on the minus strand). VCF-style: chr19-49861703-GG-AA. GRCh37 (hg19) VCF-style: chr19-50364960-GG-AA.
Identifiers: ClinVar variation 420246 (VCV000420246.6), dbSNP rs1064794370, ClinGen allele CA16620873.

ClinVar aggregate classification (germline): Likely benign. Review status: criteria provided, multiple submitters, no conflicts (2 of 4 stars). 2 submissions from 2 submitters: Likely benign (2). Last evaluated 2024-04-01.

Conditions:
Developmental and epileptic encephalopathy, 12 (DEE12). Identifiers: MedGen C3150988, MONDO:0013389, OMIM 613722.

Submissions (2):

Labcorp Genetics (formerly Invitae), Labcorp
Classification: Likely benign for Developmental and epileptic encephalopathy, 12. Last evaluated: 2024-04-01. Review status: criteria provided, single submitter. Criteria: Invitae Variant Classification Sherloc (09022015). Collection method: clinical testing. Allele origin: germline.

GeneDx
Classification: Likely benign. Last evaluated: 2015-12-08. Review status: criteria provided, single submitter. Criteria: GeneDx Variant Classification (06012015). Collection method: clinical testing. Allele origin: germline. Affected: yes.
Comment: This variant is considered likely benign or benign based on one or more of the following criteria: it is a conservative change, it occurs at a poorly conserved position in the protein, it is predicted to be benign by multiple in silico algorithms, and/or has population frequency not consistent with disease.